The following is an entry in ClinVar:

NM_001199799.2(ILDR1):c.801C>G (p.Leu267=)

Gene: ILDR1 (immunoglobulin like domain containing receptor 1; minus strand). Cytogenetic location: 3q13.33.
Variant type: single nucleotide variant.
Coding change: c.801C>G on transcript NM_001199799.2 (MANE Select); coding-DNA position 801, C replaced by G.
Protein change: p.Leu267=; no amino-acid change (leucine 267 retained).
Molecular consequence: synonymous variant.
Genome position (GRCh38, 1-based): chr3:121,993,948, G>C on the plus strand (C>G on the coding strand, the complement: ILDR1 is on the minus strand). VCF-style: chr3-121993948-G-C. GRCh37 (hg19) VCF-style: chr3-121712795-G-C.
Other names: c.534C>G, p.Leu178= (NM_001199800.2); c.669C>G, p.Leu223= (NM_175924.4).
Identifiers: ClinVar variation 227441 (VCV000227441.6), dbSNP rs149548365, ClinGen allele CA2568820.
Genomic context (GRCh38, chr3:121,993,948, plus strand): 5'-CTCCAGGACACCATTGGCGATGGGAGGCTGATTGGTGGTCTGGGTCATTGGCATCTGCGG[G>C]AGGCTGGACGGCAGGGACAAATCTGAATGGAAACAAGGACAGGACAATAGAACAAATGGC-3'
Protein context (NP_001186728.1, residues 257-277): LQRDLSLPSS[Leu267=]PQMPMTQTTN

ClinVar aggregate classification (germline): Likely benign. Review status: criteria provided, single submitter (1 of 4 stars). 2 submissions from 2 submitters: Likely benign (1). 1 of the submissions does not count toward it. Last evaluated 2012-04-30.

Conditions:
ILDR1-related disorder. Also called: ILDR1-related condition.

Allele frequency attached by ClinVar (database versions not stated): gnomAD exomes 0.00001 and 0.00002; ExAC 0.00003; gnomAD 0.00006 and 0.00007; TOPMed 0.00007; 1000 Genomes Project 30x 0.00016; 1000 Genomes Project 0.00020; ESP Exome Variant Server 0.00023.
gnomAD v4.1: 22 of 1,611,884 alleles (0.0014%); highest among the groups gnomAD compares: African/African-American, 0.025%; no homozygotes.

Submissions (2):

Laboratory for Molecular Medicine, Mass General Brigham Personalized Medicine
Classification: Likely benign. Last evaluated: 2012-04-30. Review status: criteria provided, single submitter. Criteria: LMM Criteria. Collection method: clinical testing. Allele origin: germline. Observed: 1 variant allele.
Comment: Leu267Leu in Exon 07 of ILDR1: This variant is not expected to have clinical sig nificance because it does not alter an amino acid residue, is not located within the splice consensus sequence, and has been identified in 0.1% (3/3738) of Afri can American chromosomes from a broad population by the NHLBI Exome Sequencing P roject (dbSNP rs149548365).

PreventionGenetics, part of Exact Sciences
Classification: Likely benign for ILDR1-related condition. Last evaluated: 2019-08-07. Review status: no assertion criteria provided. Collection method: clinical testing. Allele origin: germline. Not counted in ClinVar's aggregate classification.
Comment: This variant is classified as likely benign based on ACMG/AMP sequence variant interpretation guidelines (Richards et al. 2015 PMID: 25741868, with internal and published modifications).